The following is an entry in ClinVar:

NM_003743.5(NCOA1):c.2411A>G (p.Gln804Arg)

Gene: NCOA1 (nuclear receptor coactivator 1; plus strand). Cytogenetic location: 2p23.3.
Variant type: single nucleotide variant.
Coding change: c.2411A>G on transcript NM_003743.5 (MANE Select); coding-DNA position 2411, A replaced by G.
Protein change: p.Gln804Arg; replaces glutamine 804 with arginine.
Molecular consequence: missense variant.
Genome position (GRCh38, 1-based): chr2:24,707,881, A>G. VCF-style: chr2-24707881-A-G. GRCh37 (hg19) VCF-style: chr2-24930750-A-G.
Other names: c.2411A>G, p.Gln804Arg (NM_001362950.1, NM_001362952.1, NM_001362954.1 and 3 more transcripts); short protein forms Q804R.
Identifiers: ClinVar variation 2634359 (VCV002634359.2), dbSNP rs758160275, ClinGen allele CA1552391.
Genomic context (GRCh38, chr2:24,707,881, plus strand): 5'-GTAATACAAACCCAACCCCAATGACCAAACCCACTCCTGAGGAAATAAAACTGGAGGCCC[A>G]GAGCCAGGTGGGTAACTGCTTGCTTCACAGAATGGTCATTCTTAGTAATTTTTTTTTTCA-3'
Protein context (NP_003734.3, residues 794-814): PTPEEIKLEA[Gln804Arg]SQFTADLDQF

ClinVar aggregate classification (germline): Uncertain significance (0 of 4 stars; one submission).

Conditions:
NCOA1-related disorder. Also called: NCOA1-related condition.

Allele frequency attached by ClinVar (database versions not stated): TOPMed below 0.00001; gnomAD exomes 0.00001; ExAC 0.00002.
gnomAD v4.1: 7 of 1,585,048 alleles (0.00044%); highest among the groups gnomAD compares: Admixed American, 0.012%; no homozygotes.

Submission:

PreventionGenetics, part of Exact Sciences
Classification: Uncertain significance for NCOA1-related condition. Last evaluated: 2024-04-15. Review status: no assertion criteria provided. Collection method: clinical testing. Allele origin: germline.
Comment: The NCOA1 c.2411A>G variant is predicted to result in the amino acid substitution p.Gln804Arg. This variant was reported in an individual from a large cohort with severe obesity; however, no additional evidence was provided to support causation (Cacciottolo et al. 2022. PMID: 35137184). This variant is reported in 0.018% of alleles in individuals of Latino descent in gnomAD. At this time, the clinical significance of this variant is uncertain due to the absence of conclusive functional and genetic evidence.